The following is an entry in ClinVar:

NM_000136.3(FANCC):c.265A>C (p.Ile89Leu)

Gene: FANCC (FA complementation group C; minus strand). Cytogenetic location: 9q22.32.
Variant type: single nucleotide variant.
Coding change: c.265A>C on transcript NM_000136.3 (MANE Select); coding-DNA position 265, A replaced by C.
Protein change: p.Ile89Leu; replaces isoleucine 89 with leucine.
Molecular consequence: missense variant.
Genome position (GRCh38, 1-based): chr9:95,240,729, T>G on the plus strand (A>C on the coding strand, the complement: FANCC is on the minus strand). VCF-style: chr9-95240729-T-G. GRCh37 (hg19) VCF-style: chr9-98003011-T-G.
Other names: c.265A>C, p.Ile89Leu (NM_001243743.2, NM_001243744.2); short protein forms I89L.
Identifiers: ClinVar variation 3597824 (VCV003597824.2).

ClinVar aggregate classification (germline): Uncertain significance. Review status: criteria provided, multiple submitters, no conflicts (2 of 4 stars). 2 submissions from 2 submitters: Uncertain significance (2). Last evaluated 2025-02-20.

Conditions:
Hereditary cancer-predisposing syndrome. Also called: Neoplastic Syndromes, Hereditary; Hereditary Cancer Syndrome; Tumor predisposition; Hereditary neoplastic syndrome. Identifiers: Orphanet 140162, MedGen C0027672, MeSH D009386, MONDO:0015356.
Fanconi anemia complementation group C (FANCC). Also called: FANCONI PANCYTOPENIA, TYPE 3; FACC; FANCC-Related Fanconi Anemia; Fanconi anemia, group C. Identifiers: Orphanet 84, MedGen C3468041, MONDO:0009213, OMIM 227645.

Submissions (2):

Ambry Genetics
Classification: Uncertain significance for Hereditary cancer-predisposing syndrome. Last evaluated: 2025-02-20. Review status: criteria provided, single submitter. Criteria: Ambry Variant Classification Scheme 2023. Collection method: clinical testing. Allele origin: germline.
Comment: The p.I89L variant (also known as c.265A>C), located in coding exon 3 of the FANCC gene, results from an A to C substitution at nucleotide position 265. The isoleucine at codon 89 is replaced by leucine, an amino acid with highly similar properties. This amino acid position is conserved. In addition, this alteration is predicted to be tolerated by in silico analysis. Based on the available evidence, the clinical significance of this variant remains unclear.

Fulgent Genetics
Classification: Uncertain significance for Fanconi anemia complementation group C. Last evaluated: 2024-05-18. Review status: criteria provided, single submitter. Criteria: ACMG Guidelines, 2015. Collection method: clinical testing. Allele origin: germline.